The following is an entry in ClinVar:

ClinVar aggregate classification (germline): Uncertain significance (1 of 4 stars; one submission).

Conditions:
Hypertrophic cardiomyopathy. Also called: HYPERTROPHIC MYOCARDIOPATHY. Identifiers: Orphanet 217569, MedGen C0007194, MeSH D002312, MONDO:0005045, HP:0001639.

Submission:

Labcorp Genetics (formerly Invitae), Labcorp
Classification: Uncertain significance for Hypertrophic cardiomyopathy. Last evaluated: 2025-05-13. Review status: criteria provided, single submitter. Criteria: Invitae Variant Classification Sherloc (09022015). Collection method: clinical testing. Allele origin: germline.
Comment: This sequence change replaces methionine, which is neutral and non-polar, with threonine, which is neutral and polar, at codon 1248 of the MYH7 protein (p.Met1248Thr). This variant is not present in population databases (gnomAD no frequency). This variant has not been reported in the literature in individuals affected with MYH7-related conditions. Invitae Evidence Modeling of protein sequence and biophysical properties (such as structural, functional, and spatial information, amino acid conservation, physicochemical variation, residue mobility, and thermodynamic stability) has been performed for this missense variant. However, the output from this modeling did not meet the statistical confidence thresholds required to predict the impact of this variant on MYH7 protein function. In summary, the available evidence is currently insufficient to determine the role of this variant in disease. Therefore, it has been classified as a Variant of Uncertain Significance.

NM_000257.4(MYH7):c.3743T>C (p.Met1248Thr)

Gene: MYH7 (myosin heavy chain 7; minus strand). Cytogenetic location: 14q11.2.
Variant type: single nucleotide variant.
Coding change: c.3743T>C on transcript NM_000257.4 (MANE Select); coding-DNA position 3743, T replaced by C.
Protein change: p.Met1248Thr; replaces methionine 1248 with threonine.
Molecular consequence: missense variant.
Genome position (GRCh38, 1-based): chr14:23,419,593, A>G on the plus strand (T>C on the coding strand, the complement: MYH7 is on the minus strand). VCF-style: chr14-23419593-A-G. GRCh37 (hg19) VCF-style: chr14-23888802-A-G.
Other names: c.3743T>C, p.Met1248Thr (NM_001407004.1); short protein forms M1248T.
Identifiers: ClinVar variation 4738288 (VCV004738288.1).